The following is an entry in ClinVar:

ClinVar aggregate classification (germline): Benign/Likely benign. Review status: criteria provided, multiple submitters, no conflicts (2 of 4 stars). 3 submissions from 3 submitters: Benign (2); Likely benign (1). Last evaluated 2022-09-01.

Allele frequency attached by ClinVar (database versions not stated): 1000 Genomes Project 0.00140; 1000 Genomes Project 30x 0.00141; TOPMed 0.00417; ESP Exome Variant Server 0.00477.
gnomAD v4.1: 8,692 of 1,598,438 alleles (0.54%); highest among the groups gnomAD compares: Non-Finnish European, 0.69%; 32 homozygotes.

Submissions (3):

CeGaT Center for Human Genetics Tuebingen
Classification: Likely benign. Last evaluated: 2022-09-01. Review status: criteria provided, single submitter. Criteria: CeGaT Center For Human Genetics Tuebingen Variant Classification Criteria Version 2. Collection method: clinical testing. Allele origin: germline. Affected: yes. Observed: 3 variant alleles.
Comment: PTPRN2: BP4, BP7

Labcorp Genetics (formerly Invitae), Labcorp
Classification: Benign. Last evaluated: 2019-12-31. Review status: criteria provided, single submitter. Criteria: Invitae Variant Classification Sherloc (09022015). Collection method: clinical testing. Allele origin: germline.

Breakthrough Genomics
Classification: Benign. Review status: criteria provided, single submitter. Criteria: ACMG Guidelines, 2015. Collection method: not provided. Allele origin: germline. Inheritance: Unknown mechanism. Affected: yes.

NM_002847.5(PTPRN2):c.1782C>G (p.Val594=)

Gene: PTPRN2 (protein tyrosine phosphatase receptor type N2; minus strand). Cytogenetic location: 7q36.3.
Variant type: single nucleotide variant.
Coding change: c.1782C>G on transcript NM_002847.5 (MANE Select); coding-DNA position 1782, C replaced by G.
Protein change: p.Val594=; no amino-acid change (valine 594 retained).
Molecular consequence: synonymous variant.
Genome position (GRCh38, 1-based): chr7:157,898,679, G>C on the plus strand (C>G on the coding strand, the complement: PTPRN2 is on the minus strand). VCF-style: chr7-157898679-G-C. GRCh37 (hg19) VCF-style: chr7-157691371-G-C.
Other names: c.1668C>G, p.Val556= (NM_001308267.2); c.1851C>G, p.Val617= (NM_001308268.2); c.1731C>G, p.Val577= (NM_130842.4); c.1695C>G, p.Val565= (NM_130843.4).
Identifiers: ClinVar variation 782029 (VCV000782029.29), dbSNP rs117087228, ClinGen allele CA4591387.